The following is an entry in ClinVar:

ClinVar aggregate classification (germline): Uncertain significance (1 of 4 stars; one submission).

Conditions:
Epidermolysis bullosa simplex 3, localized or generalized intermediate, with BP230 deficiency (EBS3). Also called: Epidermolysis bullosa simplex, autosomal recessive 2; Epidermolysis bullosa simplex due to BP230 deficiency. Identifiers: Orphanet 412181, MedGen C3809470, MONDO:0014180, OMIM 615425.
Hereditary sensory and autonomic neuropathy type 6. Also called: HSAN VI; Neuropathy, hereditary sensory and autonomic, type VI. Identifiers: Orphanet 314381, MedGen C3539003, MONDO:0013839, OMIM 614653.

Submission:

Labcorp Genetics (formerly Invitae), Labcorp
Classification: Uncertain significance for Epidermolysis bullosa simplex 3, localized or generalized intermediate, with BP230 deficiency; Hereditary sensory and autonomic neuropathy type 6. Last evaluated: 2026-01-18. Review status: criteria provided, single submitter. Criteria: Invitae Variant Classification Sherloc (09022015). Collection method: clinical testing. Allele origin: germline.
Comment: The DST gene has multiple clinically relevant transcripts. This variant occurs in alternate transcript NM_015548.4, and corresponds to NM_001723.5:c.*98230T>A in the primary transcript. This sequence change replaces leucine, which is neutral and non-polar, with methionine, which is neutral and non-polar, at codon 3467 of the DST protein (p.Leu3467Met). This variant is not present in population databases (gnomAD no frequency). This variant has not been reported in the literature in individuals affected with DST-related conditions. Experimental studies and prediction algorithms are not available or were not evaluated, and the functional significance of this variant is currently unknown. In summary, the available evidence is currently insufficient to determine the role of this variant in disease. Therefore, it has been classified as a Variant of Uncertain Significance.

NM_001374736.1(DST):c.18268T>A (p.Leu6090Met)

Gene: DST (dystonin; minus strand). Cytogenetic location: 6p12.1.
Variant type: single nucleotide variant.
Coding change: c.18268T>A on transcript NM_001374736.1 (MANE Select); coding-DNA position 18268, T replaced by A.
Protein change: p.Leu6090Met; replaces leucine 6090 with methionine.
Molecular consequence: missense variant.
Genome position (GRCh38, 1-based): chr6:56,517,287, A>T on the plus strand (T>A on the coding strand, the complement: DST is on the minus strand). VCF-style: chr6-56517287-A-T. GRCh37 (hg19) VCF-style: chr6-56382085-A-T.
Other names: c.11911T>A, p.Leu3971Met (NM_001144769.5); c.11497T>A, p.Leu3833Met (NM_001144770.2); c.18268T>A, p.Leu6090Met (NM_001374722.1); c.17308T>A, p.Leu5770Met (NM_001374729.1); c.11050T>A, p.Leu3684Met (NM_001374730.1); c.18295T>A, p.Leu6099Met (NM_001374734.1); c.11377T>A, p.Leu3793Met (NM_001386100.1, NM_183380.4); c.10399T>A, p.Leu3467Met (NM_015548.5); short protein forms L3467M, L3793M, L3833M, L5770M, L6090M, L3684M, L3971M, L6099M.
Identifiers: ClinVar variation 4787168 (VCV004787168.1).